The following is an entry in ClinVar:

NM_004329.3(BMPR1A):c.855T>G (p.His285Gln)

Gene: BMPR1A (bone morphogenetic protein receptor type 1A; plus strand). Cytogenetic location: 10q23.2.
Variant type: single nucleotide variant.
Coding change: c.855T>G on transcript NM_004329.3 (MANE Select); coding-DNA position 855, T replaced by G.
Protein change: p.His285Gln; replaces histidine 285 with glutamine.
Molecular consequence: missense variant.
Genome position (GRCh38, 1-based): chr10:86,917,313, T>G. VCF-style: chr10-86917313-T-G. GRCh37 (hg19) VCF-style: chr10-88677070-T-G.
Other names: short protein forms H285Q.
Identifiers: ClinVar variation 851204 (VCV000851204.10), dbSNP rs1843588940, ClinGen allele CA377458804.

ClinVar aggregate classification (germline): Uncertain significance (1 of 4 stars; one submission).

Conditions:
Juvenile polyposis syndrome (JPS). Identifiers: Orphanet 2929, MedGen C0345893, MONDO:0017380, OMIM 174900.

Allele frequency attached by ClinVar (database versions not stated): gnomAD exomes below 0.00001.
gnomAD v4.1: 1 of 1,614,154 alleles (0.000062%); highest among the groups gnomAD compares: South Asian, 0.0011%; no homozygotes.

Submission:

Labcorp Genetics (formerly Invitae), Labcorp
Classification: Uncertain significance for Juvenile polyposis syndrome. Last evaluated: 2019-04-09. Review status: criteria provided, single submitter. Criteria: Invitae Variant Classification Sherloc (09022015). Collection method: clinical testing. Allele origin: germline.
Comment: This sequence change replaces histidine with glutamine at codon 285 of the BMPR1A protein (p.His285Gln). The histidine residue is highly conserved and there is a small physicochemical difference between histidine and glutamine. This variant is not present in population databases (ExAC no frequency). This variant has not been reported in the literature in individuals with BMPR1A-related conditions. Algorithms developed to predict the effect of missense changes on protein structure and function are either unavailable or do not agree on the potential impact of this missense change (SIFT: "Deleterious"; PolyPhen-2: "Possibly Damaging"; Align-GVGD: "Class C15"). Algorithms developed to predict the effect of sequence changes on RNA splicing suggest that this variant may create or strengthen a splice site, but this prediction has not been confirmed by published transcriptional studies. In summary, the available evidence is currently insufficient to determine the role of this variant in disease. Therefore, it has been classified as a Variant of Uncertain Significance.